The following is an entry in ClinVar:

ClinVar aggregate classification (germline): Uncertain significance (1 of 4 stars; one submission).

Conditions:
Lymphatic malformation 7 (LMPHM7). Also called: Hydrops fetalis, nonimmune, and/or atrial septal defect, susceptibility to. Identifiers: MedGen C4310629, MONDO:0015009, OMIM 617300.

Submission:

Institute for Clinical Genetics, University Hospital TU Dresden, University Hospital TU Dresden
Classification: Uncertain significance for Lymphatic malformation 7. Last evaluated: 2023-08-11. Review status: criteria provided, single submitter. Criteria: ACMG Guidelines, 2015. Collection method: clinical testing. Allele origin: germline. Affected: yes.
Comment: intestinal lymphangiectasia, PM2_SUP, PM6

NM_004444.5(EPHB4):c.1823A>C (p.Lys608Thr)

Gene: EPHB4 (EPH receptor B4; minus strand). Cytogenetic location: 7q22.1.
Variant type: single nucleotide variant.
Coding change: c.1823A>C on transcript NM_004444.5 (MANE Select); coding-DNA position 1823, A replaced by C.
Protein change: p.Lys608Thr; replaces lysine 608 with threonine.
Molecular consequence: missense variant.
Genome position (GRCh38, 1-based): chr7:100,813,142, T>G on the plus strand (A>C on the coding strand, the complement: EPHB4 is on the minus strand). VCF-style: chr7-100813142-T-G. GRCh37 (hg19) VCF-style: chr7-100410764-T-G.
Other names: short protein forms K608T.
Identifiers: ClinVar variation 4850085 (VCV004850085.1).